The following is an entry in ClinVar:

ClinVar aggregate classification (germline): Uncertain significance. Review status: criteria provided, multiple submitters, no conflicts (2 of 4 stars). 2 submissions from 2 submitters: Uncertain significance (2). Last evaluated 2025-12-26.

gnomAD v4.1: 20 of 1,613,646 alleles (0.0012%); highest among the groups gnomAD compares: African/African-American, 0.024%; no homozygotes.

Submissions (2):

Labcorp Genetics (formerly Invitae), Labcorp
Classification: Uncertain significance. Last evaluated: 2025-12-26. Review status: criteria provided, single submitter. Criteria: Invitae Variant Classification Sherloc (09022015). Collection method: clinical testing. Allele origin: germline.
Comment: This sequence change replaces proline, which is neutral and non-polar, with leucine, which is neutral and non-polar, at codon 385 of the IGSF10 protein (p.Pro385Leu). This variant is present in population databases (rs143350885, gnomAD 0.03%). This variant has not been reported in the literature in individuals affected with IGSF10-related conditions. ClinVar contains an entry for this variant (Variation ID: 4037883). An algorithm developed to predict the effect of missense changes on protein structure and function (PolyPhen-2) suggests that this variant is likely to be disruptive. In summary, the available evidence is currently insufficient to determine the role of this variant in disease. Therefore, it has been classified as a Variant of Uncertain Significance.

Ambry Genetics
Classification: Uncertain significance. Last evaluated: 2025-03-26. Review status: criteria provided, single submitter. Criteria: Ambry Variant Classification Scheme 2023. Collection method: clinical testing. Allele origin: germline.

NM_178822.5(IGSF10):c.1154C>T (p.Pro385Leu)

Gene: IGSF10 (immunoglobulin superfamily member 10; minus strand). Cytogenetic location: 3q25.1.
Variant type: single nucleotide variant.
Coding change: c.1154C>T on transcript NM_178822.5 (MANE Select); coding-DNA position 1154, C replaced by T.
Protein change: p.Pro385Leu; replaces proline 385 with leucine.
Molecular consequence: missense variant.
Genome position (GRCh38, 1-based): chr3:151,448,827, G>A on the plus strand (C>T on the coding strand, the complement: IGSF10 is on the minus strand). VCF-style: chr3-151448827-G-A. GRCh37 (hg19) VCF-style: chr3-151166615-G-A.
Other names: c.1154C>T, p.Pro385Leu (NM_001385060.1, NM_001385061.1, NM_001385062.1 and 1 more transcripts); short protein forms P385L.
Identifiers: ClinVar variation 4037883 (VCV004037883.2).